The following is an entry in ClinVar:

NM_000330.4(RS1):c.213C>T (p.Phe71=)

Genes: CDKL5 (cyclin dependent kinase like 5; plus strand), RS1 (retinoschisin 1; minus strand). Cytogenetic location: Xp22.13.
Variant type: single nucleotide variant.
Coding change: c.213C>T on transcript NM_000330.4 (MANE Select); coding-DNA position 213, C replaced by T.
Protein change: p.Phe71=; no amino-acid change (phenylalanine 71 retained).
Molecular consequence: synonymous variant. On other transcripts: intron variant (2).
Genome position (GRCh38, 1-based): chrX:18,647,304, G>A on the plus strand (C>T on the coding strand, the complement: RS1 is on the minus strand). VCF-style: chrX-18647304-G-A. GRCh37 (hg19) VCF-style: chrX-18665424-G-A.
Other names: c.2797+1214G>A (NM_003159.3, NM_001037343.2).
Identifiers: ClinVar variation 1126370 (VCV001126370.30), dbSNP rs764292483, ClinGen allele CA10360717.
Genomic context (GRCh38, chrX:18,647,304, plus strand): 5'-GCCCACATACTGCTCCGGGTTAGAGCAGGTGATCTGGTCCGGTGTGACCTCCCCTGACTC[G>A]AAACCCAGAGGCTTGTGATATGGGCATTCTGGGAAAGGAAAAAGAATTCACATTCACACA-3'
Protein context (NP_000321.1, residues 61-81): PECPYHKPLG[Phe71=]ESGEVTPDQI

ClinVar aggregate classification (germline): Likely benign. Review status: criteria provided, multiple submitters, no conflicts (2 of 4 stars). 3 submissions from 3 submitters: Likely benign (2). 1 of the submissions does not count toward it. Last evaluated 2023-12-01.

Conditions:
Juvenile retinoschisis (RS1). Also called: X-linked retinoschisis; X-Linked Juvenile Retinoschisis. Identifiers: Orphanet 792, MedGen C3714753, MONDO:0010725, OMIM 312700.

Allele frequency attached by ClinVar (database versions not stated): gnomAD 0.00001; ExAC 0.00001; TOPMed 0.00002; gnomAD exomes below 0.00001 and 0.00001.
gnomAD v4.1: 5 of 1,208,869 alleles (0.00041%); highest among the groups gnomAD compares: East Asian, 0.003%; no homozygotes.

Submissions (3):

CeGaT Center for Human Genetics Tuebingen
Classification: Likely benign. Last evaluated: 2023-12-01. Review status: criteria provided, single submitter. Criteria: CeGaT Center For Human Genetics Tuebingen Variant Classification Criteria Version 2. Collection method: clinical testing. Allele origin: germline. Affected: yes. Observed: 1 variant allele.
Comment: RS1: BP4, BP7

Labcorp Genetics (formerly Invitae), Labcorp
Classification: Likely benign. Last evaluated: 2022-06-24. Review status: criteria provided, single submitter. Criteria: Invitae Variant Classification Sherloc (09022015). Collection method: clinical testing. Allele origin: germline.

Natera, Inc.
Classification: Likely benign for X-linked retinoschisis. Last evaluated: 2021-06-10. Review status: no assertion criteria provided. Collection method: clinical testing. Allele origin: germline. Not counted in ClinVar's aggregate classification.